The following is an entry in ClinVar:

ClinVar aggregate classification (germline): Uncertain significance. Review status: criteria provided, multiple submitters, no conflicts (2 of 4 stars). 2 submissions from 2 submitters: Uncertain significance (2). Last evaluated 2026-07-06.

Conditions:
Hereditary cancer-predisposing syndrome. Also called: Tumor predisposition; Hereditary Cancer Syndrome; Hereditary neoplastic syndrome; Neoplastic Syndromes, Hereditary. Identifiers: Orphanet 140162, MedGen C0027672, MeSH D009386, MONDO:0015356.

Submissions (2):

Ambry Genetics
Classification: Uncertain significance for Hereditary cancer-predisposing syndrome. Last evaluated: 2026-07-06. Review status: criteria provided, single submitter. Criteria: Ambry Variant Classification Scheme 2023. Collection method: clinical testing. Allele origin: germline.
Comment: The p.S129T variant (also known as c.386G>C), located in coding exon 4 of the SMARCB1 gene, results from a G to C substitution at nucleotide position 386. The serine at codon 129 is replaced by threonine, an amino acid with similar properties. This amino acid position is conserved. In addition, the in silico prediction for this alteration is inconclusive. Based on the available evidence, the clinical significance of this variant remains unclear.

Labcorp Genetics (formerly Invitae), Labcorp
Classification: Uncertain significance. Last evaluated: 2022-08-01. Review status: criteria provided, single submitter. Criteria: Invitae Variant Classification Sherloc (09022015). Collection method: clinical testing. Allele origin: germline.
Comment: This variant has not been reported in the literature in individuals affected with SMARCB1-related conditions. This variant is not present in population databases (gnomAD no frequency). This sequence change replaces serine, which is neutral and polar, with threonine, which is neutral and polar, at codon 129 of the SMARCB1 protein (p.Ser129Thr). Algorithms developed to predict the effect of missense changes on protein structure and function (SIFT, PolyPhen-2, Align-GVGD) all suggest that this variant is likely to be tolerated. In summary, the available evidence is currently insufficient to determine the role of this variant in disease. Therefore, it has been classified as a Variant of Uncertain Significance.

NM_003073.5(SMARCB1):c.386G>C (p.Ser129Thr)

Gene: SMARCB1 (SWI/SNF related BAF chromatin remodeling complex subunit B1; plus strand). Cytogenetic location: 22q11.23.
Variant type: single nucleotide variant.
Coding change: c.386G>C on transcript NM_003073.5 (MANE Select); coding-DNA position 386, G replaced by C.
Protein change: p.Ser129Thr; replaces serine 129 with threonine.
Molecular consequence: missense variant.
Genome position (GRCh38, 1-based): chr22:23,800,967, G>C. VCF-style: chr22-23800967-G-C. GRCh37 (hg19) VCF-style: chr22-24143154-G-C.
Other names: c.359G>C, p.Ser120Thr (NM_001007468.3, NM_001317946.2); c.386G>C, p.Ser129Thr (NM_001362877.2); short protein forms S129T, S120T.
Identifiers: ClinVar variation 2118276 (VCV002118276.5), dbSNP rs2145978185, ClinGen allele CA410934339.